The following is an entry in ClinVar:

NM_000377.3(WAS):c.802C>T (p.Arg268Trp)

Gene: WAS (WASP actin nucleation promoting factor; plus strand). Cytogenetic location: Xp11.23.
Variant type: single nucleotide variant.
Coding change: c.802C>T on transcript NM_000377.3 (MANE Select); coding-DNA position 802, C replaced by T.
Protein change: p.Arg268Trp; replaces arginine 268 with tryptophan.
Molecular consequence: missense variant.
Genome position (GRCh38, 1-based): chrX:48,688,324, C>T. VCF-style: chrX-48688324-C-T. GRCh37 (hg19) VCF-style: chrX-48546713-C-T.
Other names: short protein forms R268W.
Identifiers: ClinVar variation 1018255 (VCV001018255.7), dbSNP rs782149318, ClinGen allele CA10403991.

ClinVar aggregate classification (germline): Uncertain significance. Review status: criteria provided, multiple submitters, no conflicts (2 of 4 stars). 3 submissions from 3 submitters: Uncertain significance (3). Last evaluated 2025-09-17.

Conditions:
X-linked severe congenital neutropenia (SCNX). Identifiers: Orphanet 86788, MedGen C1845987, MONDO:0010294, OMIM 300299.
Thrombocytopenia 1. Also called: THROMBOCYTOPENIA, X-LINKED, 1; X-Linked Thrombocytopenia (XLT); X-linked thrombocytopenia with normal platelets. Identifiers: Orphanet 268322, Orphanet 852, MedGen C1839163, MONDO:0010743, OMIM 313900.
Wiskott-Aldrich syndrome (WAS). Also called: ALDRICH SYNDROME; IMMUNODEFICIENCY 2; WISKOTT-ALDRICH SYNDROME 1; Wiskott-aldrich syndrome, somatic. Identifiers: Orphanet 906, MedGen C0043194, MONDO:0010518, OMIM 301000.

Allele frequency attached by ClinVar (database versions not stated): ExAC below 0.00001; TOPMed 0.00001; gnomAD 0.00002; gnomAD exomes 0.00002 and 0.00004.
gnomAD v4.1: 21 of 1,205,891 alleles (0.0017%); highest among the groups gnomAD compares: Admixed American, 0.018%; no homozygotes.

Submissions (3):

Labcorp Genetics (formerly Invitae), Labcorp
Classification: Uncertain significance for Wiskott-Aldrich syndrome; X-linked severe congenital neutropenia; Thrombocytopenia 1. Last evaluated: 2025-09-17. Review status: criteria provided, single submitter. Criteria: Invitae Variant Classification Sherloc (09022015). Collection method: clinical testing. Allele origin: germline.
Comment: This sequence change replaces arginine, which is basic and polar, with tryptophan, which is neutral and slightly polar, at codon 268 of the WAS protein (p.Arg268Trp). The frequency data for this variant in the population databases is considered unreliable, as metrics indicate poor data quality at this position in the gnomAD database. This missense change has been observed in individual(s) with clinical features of congenital neutropenia (PMID: 34384840). ClinVar contains an entry for this variant (Variation ID: 1018255). Invitae Evidence Modeling of protein sequence and biophysical properties (such as structural, functional, and spatial information, amino acid conservation, physicochemical variation, residue mobility, and thermodynamic stability) indicates that this missense variant is not expected to disrupt WAS protein function with a negative predictive value of 80%. In summary, the available evidence is currently insufficient to determine the role of this variant in disease. Therefore, it has been classified as a Variant of Uncertain Significance.

Fulgent Genetics
Classification: Uncertain significance for X-linked severe congenital neutropenia; Wiskott-Aldrich syndrome; Thrombocytopenia 1. Last evaluated: 2022-05-11. Review status: criteria provided, single submitter. Criteria: ACMG Guidelines, 2015. Collection method: clinical testing. Allele origin: unknown.

Department of Pathology and Laboratory Medicine, Sinai Health System
Classification: Uncertain significance for X-linked severe congenital neutropenia; Wiskott-Aldrich syndrome; Thrombocytopenia 1. Last evaluated: 2020-08-22. Review status: criteria provided, single submitter. Criteria: ACMG Guidelines, 2015. Collection method: research. Allele origin: germline.

Literature cited by the submitters: PubMed 34384840 (cited by Labcorp Genetics (formerly Invitae), Labcorp).